The following is an entry in ClinVar:

NM_000169.3(GLA):c.902G>A (p.Arg301Gln)

Genes: GLA (galactosidase alpha; minus strand), RPL36A-HNRNPH2 (RPL36A-HNRNPH2 readthrough; plus strand). Cytogenetic location: Xq22.1.
Variant type: single nucleotide variant.
Coding change: c.902G>A on transcript NM_000169.3 (MANE Select); coding-DNA position 902, G replaced by A.
Protein change: p.Arg301Gln; replaces arginine 301 with glutamine.
Molecular consequence: missense variant. On other transcripts: non-coding transcript variant (3), intron variant (2).
Genome position (GRCh38, 1-based): chrX:101,398,467, C>T on the plus strand (G>A on the coding strand, the complement: GLA is on the minus strand). VCF-style: chrX-101398467-C-T. GRCh37 (hg19) VCF-style: chrX-100653455-C-T.
Other names: c.1025G>A, p.Arg342Gln (NM_001406747.1); c.902G>A, p.Arg301Gln (NM_001406748.1); c.300+3010C>T (NM_001199973.2); c.177+6645C>T (NM_001199974.2); short protein forms R301Q, R342Q.
Identifiers: ClinVar variation 10715 (VCV000010715.30), dbSNP rs104894828, ClinGen allele CA022189.

ClinVar aggregate classification (germline): Pathogenic. Review status: criteria provided, multiple submitters, no conflicts (2 of 4 stars). 15 submissions from 14 submitters: Pathogenic (13). 2 of the submissions do not count toward it. Last evaluated 2026-09-08.

Conditions:
Cardiovascular phenotype. Identifiers: MedGen CN230736.
Fabry disease, cardiac variant. Identifiers: MedGen C1970820.
Fabry disease. Also called: GLA DEFICIENCY; HEREDITARY DYSTOPIC LIPIDOSIS; Angiokeratoma corporis diffusum; Fabry's disease; ALPHA-GALACTOSIDASE A DEFICIENCY; ANDERSON-FABRY DISEASE. Identifiers: Orphanet 324, MedGen C0002986, MONDO:0010526, OMIM 301500, HP:0001071. Disease mechanism: Fabry disease is due to inactivating mutations in the X-linked GLA gene resulting in deficiency of the enzyme Alpha Galactosidase-A., loss of function.
Primary familial hypertrophic cardiomyopathy (HCM). Identifiers: Orphanet 99739, MedGen C0949658, MeSH D024741, MONDO:0024573. Inheritance: Various modes of inheritance.

Allele frequency attached by ClinVar (database versions not stated): gnomAD exomes below 0.00001.
gnomAD v4.1: 1 of 1,205,499 alleles (0.000083%); highest among the groups gnomAD compares: Non-Finnish European, 0.00011%; no homozygotes.

Submissions 1 to 8 of 15:

Genomenon, Inc
Classification: Pathogenic for Fabry disease. Last evaluated: 2026-09-08. Review status: criteria provided, single submitter. Criteria: Genomenon Sequence Variant Interpretation Standards - Updated. Collection method: curation. Allele origin: germline. Affected: yes.
Comment: GLA p.Arg301Gln (c.902G>A) is a missense variant that changes the amino acid at codon 301 from Arginine to Glutamine. This variant has been observed in at least one proband with clinical features consistent with Fabry disease (PMID:30723321;27560961;30386727;28736719;33915609;31654629;18046674;38002959;30333391;30804731). The variant was found to segregate with disease in at least one affected family (PMID:29770213;30804731;30333391;38002959;38372211;27560961;30386727;16696095;35338595). At least one functional study has demonstrated a substantial alteration in protein function relative to the wild-type (PMID:30723321). It is absent or not present at a significant frequency in gnomAD. In silico models predict that this variant is possibly or probably damaging. In conclusion, we classify GLA p.Arg301Gln (c.902G>A) as a pathogenic variant.

Labcorp Genetics (formerly Invitae), Labcorp
Classification: Pathogenic for Fabry disease. Last evaluated: 2026-01-16. Review status: criteria provided, single submitter. Criteria: Invitae Variant Classification Sherloc (09022015). Collection method: clinical testing. Allele origin: germline.
Comment: This sequence change replaces arginine, which is basic and polar, with glutamine, which is neutral and polar, at codon 301 of the GLA protein (p.Arg301Gln). This variant is not present in population databases (gnomAD no frequency). This missense change has been observed in individuals with classic and atypical Fabry disease (PMID: 2171331, 8738659, 11688386, 15702404, 20505683, 23378663; internal data). It has also been observed to segregate with disease in related individuals. ClinVar contains an entry for this variant (Variation ID: 10715). Invitae Evidence Modeling of protein sequence and biophysical properties (such as structural, functional, and spatial information, amino acid conservation, physicochemical variation, residue mobility, and thermodynamic stability) has been performed for this missense variant. However, the output from this modeling did not meet the statistical confidence thresholds required to predict the impact of this variant on GLA protein function. Experimental studies have shown that this missense change affects GLA function (PMID: 9395081, 21598360, 22241068). This variant disrupts the p.Arg301 amino acid residue in GLA. Other variant(s) that disrupt this residue have been observed in individuals with GLA-related conditions (PMID: 11322659), which suggests that this may be a clinically significant amino acid residue. For these reasons, this variant has been classified as Pathogenic.

GeneDx
Classification: Pathogenic. Last evaluated: 2026-01-03. Review status: criteria provided, single submitter. Criteria: GeneDx Variant Classification Process June 2021. Collection method: clinical testing. Allele origin: germline. Affected: yes.
Comment: Published functional studies found this variant is associated with significantly reduced enzyme activity (PMID: 23935525, 27657681, 17555407, 17532296); Not observed at significant frequency in large population cohorts (gnomAD); In silico analysis supports that this missense variant has a deleterious effect on protein structure/function; This variant is associated with the following publications: (PMID: 25382311, 34521087, 33301762, 27657681, 21598360, 15702404, 22241068, 24386359, 27356758, 27834756, 28138913, 28152038, 28728877, 27773586, 30333391, 30804731, 30477121, 32583479, 35578305, 35338595, 32843101, 12428061, 10208848, 8738659, 33673806, 33204599, 10916280, 20505683, 38673884, Saito2016[CaseReport], 36345359, 23378663, 17555407, 23935525, 2171331, 38372211, 17532296)

Ambry Genetics
Classification: Pathogenic for Cardiovascular phenotype. Last evaluated: 2025-07-31. Review status: criteria provided, single submitter. Criteria: Ambry Variant Classification Scheme 2023. Collection method: clinical testing. Allele origin: germline.
Comment: The p.R301Q pathogenic mutation (also known as c.902G>A), located in coding exon 6 of the GLA gene, results from a G to A substitution at nucleotide position 902. The arginine at codon 301 is replaced by glutamine, an amino acid with highly similar properties. This variant was reported in individual(s) with features consistent with Fabry disease (Sakuraba H et al. Am J Hum Genet. 1990;47:784-789; Sawada K et al. Clin. Nephrol. 1996 May;45:289-294; Shin SH et al Biochem. Biophys. Res. Commun. 2007 Jul;359(1):168-73). A transgenic mouse model indicated that this variant disrupts protein processing, resulting in enzyme degradation and low residual activity in mammalian cells (Ishii S. Proc Jpn Acad, Ser B, Phys Biol Sci. 2012 ;88:18-30). This amino acid position is highly conserved in available vertebrate species. In addition, this alteration is predicted to be deleterious by in silico analysis. This variant is considered to be rare based on population cohorts in the Genome Aggregation Database (gnomAD). Based on the supporting evidence, this variant is interpreted as a disease-causing mutation.

Revvity Omics, Revvity
Classification: Pathogenic. Last evaluated: 2025-07-15. Review status: criteria provided, single submitter. Criteria: ACMG Guidelines, 2015. Collection method: clinical testing. Allele origin: germline.

Natera, Inc.
Classification: Pathogenic for Fabry disease. Last evaluated: 2025-06-24. Review status: criteria provided, single submitter. Criteria: Natera Variant Classification Schema (03/2026). Collection method: clinical testing. Allele origin: germline.
Comment: The c.902G>A variant in GLA is a missense variant predicted to cause substitution of arginine to glutamine at amino acid 301. This variant is rare in the general population with a frequency below the threshold expected for the associated phenotype(s). This variant has been observed in affected individual(s) with monoallelic occurrence (heterozygous/hemizygous) (PMID: 38673884, 30333391, 33204599, 30804731, 16696095). Additionally, this variant has been observed to segregate in affected family members (PMID: 38673884, 30804731, 16696095). Functional studies show that this variant may disrupt protein function (PMID: 31899485). Computational prediction algorithms indicate this variant is likely to affect gene or protein function. Given the available evidence, this variant is classified as Pathogenic.

3billion
Classification: Pathogenic for Fabry disease. Last evaluated: 2024-09-29. Review status: criteria provided, single submitter. Criteria: ACMG Guidelines, 2015. Collection method: clinical testing. Allele origin: germline. Affected: yes.
Comment: The variant is observed at an extremely low frequency in the gnomAD v4.1.0 dataset (total allele frequency: <0.001%). Predicted Consequence/Location: Missense variant Functional studies provide moderate evidence of the variant having a damaging effect on the gene or gene product (PMID: 17532296, 18698230, 19387866, 21598360, 23935525, 27657681, 9395081). In silico tool predictions suggest damaging effect of the variant on gene or gene product [REVEL: 0.95 (>=0.6, sensitivity 0.68 and specificity 0.92); 3Cnet: 0.99 (>=0.6, sensitivity 0.72 and precision 0.9)]. The same nucleotide change resulting in the same amino acid change has been previously reported as pathogenic/likely pathogenic with strong evidence (ClinVar ID: VCV000010715 /PMID: 2171331 /3billion dataset). Different missense changes at the same codon (p.Arg301Gly, p.Arg301Pro) have been reported as pathogenic/likely pathogenic with strong evidence (ClinVar ID: VCV000179546, VCV001455597 /PMID: 11322659). Therefore, this variant is classified as Pathogenic according to the recommendation of ACMG/AMP guideline.

Women's Health and Genetics/Laboratory Corporation of America, LabCorp
Classification: Pathogenic for Fabry disease. Last evaluated: 2022-01-18. Review status: criteria provided, single submitter. Criteria: LabCorp Variant Classification Summary - May 2015. Collection method: clinical testing. Allele origin: germline.
Comment: Variant summary: GLA c.902G>A (p.Arg301Gln) results in a conservative amino acid change in the encoded protein sequence. Four of five in-silico tools predict a damaging effect of the variant on protein function. The variant was absent in 183457 control chromosomes (gnomAD). c.902G>A has been reported in the literature in several hemizygous individuals affected with atypical forms of Fabry Disease (FD) characterized by late onset cardiac- or renal manifestations (e.g. Sakuraba_1990, Germain_2002, Brady_2015, Kim_2019), but was also described in cases with classic FD (Germain_1999, Ashton-Prolla_2000, Lee_2010). These publications also reported decreased GLA activity in patient derived samples. These data indicate that the variant is very likely to be associated with disease. In addition, the variant protein was shown to have similar enzyme kinetic parameters to the WT in vitro, indicating that the main reason for the decreased in vivo activity could be degradation, which was also supported by the responsivity to a pharmacological chaperone (1-deoxygalactonojirimycin) treatment (Lukas_2013). Four ClinVar submitters have assessed the variant since 2014: all submitters classified the variant as pathogenic. Based on the evidence outlined above, the variant was classified as pathogenic.